The following is an entry in ClinVar:

NM_171998.4(RAB39B):c.406C>G (p.His136Asp)

Gene: RAB39B (RAB39B, member RAS oncogene family; minus strand). Cytogenetic location: Xq28.
Variant type: single nucleotide variant.
Coding change: c.406C>G on transcript NM_171998.4 (MANE Select); coding-DNA position 406, C replaced by G.
Protein change: p.His136Asp; replaces histidine 136 with aspartic acid.
Molecular consequence: missense variant.
Genome position (GRCh38, 1-based): chrX:155,261,039, G>C on the plus strand (C>G on the coding strand, the complement: RAB39B is on the minus strand). VCF-style: chrX-155261039-G-C. GRCh37 (hg19) VCF-style: chrX-154490324-G-C.
Other names: short protein forms H136D.
Identifiers: ClinVar variation 3600641 (VCV003600641.2).

ClinVar aggregate classification (germline): Uncertain significance (1 of 4 stars; one submission).

gnomAD v4.1: 1 of 1,211,457 alleles (0.000083%); highest among the groups gnomAD compares: Non-Finnish European, 0.00011%; no homozygotes.

Submission:

GeneDx
Classification: Uncertain significance. Last evaluated: 2025-07-31. Review status: criteria provided, single submitter. Criteria: GeneDx Variant Classification Process June 2021. Collection method: clinical testing. Allele origin: germline. Affected: yes.
Comment: Not observed at significant frequency in large population cohorts (gnomAD); In silico analysis suggests that this missense variant does not alter protein structure/function; Has not been previously published as pathogenic or benign to our knowledge